The following is an entry in ClinVar:

NM_006514.4(SCN10A):c.3328G>C (p.Glu1110Gln)

Genes: SCN10A (sodium voltage-gated channel alpha subunit 10; minus strand), LOC110121288 (VISTA enhancer hs2268; plus strand). Cytogenetic location: 3p22.2.
Variant type: single nucleotide variant.
Coding change: c.3328G>C on transcript NM_006514.4 (MANE Select); coding-DNA position 3328, G replaced by C.
Protein change: p.Glu1110Gln; replaces glutamic acid 1110 with glutamine.
Molecular consequence: missense variant.
Genome position (GRCh38, 1-based): chr3:38,723,454, C>G on the plus strand (G>C on the coding strand, the complement: SCN10A is on the minus strand). VCF-style: chr3-38723454-C-G. GRCh37 (hg19) VCF-style: chr3-38764945-C-G.
Other names: c.3325G>C, p.Glu1109Gln (NM_001293306.2); c.3034G>C, p.Glu1012Gln (NM_001293307.2); c.3328G>C (NM_006514.2); short protein forms E1109Q, E1110Q, E1012Q.
Identifiers: ClinVar variation 1488969 (VCV001488969.8), dbSNP rs201871493, ClinGen allele CA72958487.

ClinVar aggregate classification (germline): Uncertain significance. Review status: criteria provided, multiple submitters, no conflicts (2 of 4 stars). 2 submissions from 2 submitters: Uncertain significance (2). Last evaluated 2023-05-22.

Conditions:
Brugada syndrome. Also called: Sudden unexplained nocturnal death syndrome; Sudden unexpected nocturnal death syndrome; Sudden Unexplained Death Syndrome; Sudden Unexplained Nocturnal Death Syndrome (SUNDS). Identifiers: Orphanet 130, MedGen C1142166, MONDO:0015263.
Cardiovascular phenotype. Identifiers: MedGen CN230736.

Allele frequency attached by ClinVar (database versions not stated): gnomAD exomes below 0.00001; gnomAD 0.00001; 1000 Genomes Project 30x 0.00016; 1000 Genomes Project 0.00020.
gnomAD v4.1: 9 of 1,614,206 alleles (0.00056%); highest among the groups gnomAD compares: Middle Eastern, 0.016%; no homozygotes.

Submissions (2):

Labcorp Genetics (formerly Invitae), Labcorp
Classification: Uncertain significance for Brugada syndrome. Last evaluated: 2023-05-22. Review status: criteria provided, single submitter. Criteria: Invitae Variant Classification Sherloc (09022015). Collection method: clinical testing. Allele origin: germline.
Comment: This sequence change replaces glutamic acid, which is acidic and polar, with glutamine, which is neutral and polar, at codon 1110 of the SCN10A protein (p.Glu1110Gln). This variant is not present in population databases (gnomAD no frequency). In summary, the available evidence is currently insufficient to determine the role of this variant in disease. Therefore, it has been classified as a Variant of Uncertain Significance. Advanced modeling of protein sequence and biophysical properties (such as structural, functional, and spatial information, amino acid conservation, physicochemical variation, residue mobility, and thermodynamic stability) performed at Invitae indicates that this missense variant is not expected to disrupt SCN10A protein function. ClinVar contains an entry for this variant (Variation ID: 1488969). This variant has not been reported in the literature in individuals affected with SCN10A-related conditions.

Ambry Genetics
Classification: Uncertain significance for Cardiovascular phenotype. Last evaluated: 2021-09-16. Review status: criteria provided, single submitter. Criteria: Ambry Variant Classification Scheme 2023. Collection method: clinical testing. Allele origin: germline.